The following is an entry in ClinVar:

ClinVar aggregate classification (germline): Uncertain significance (1 of 4 stars; one submission).

Submission:

Ambry Genetics
Classification: Uncertain significance. Last evaluated: 2025-08-25. Review status: criteria provided, single submitter. Criteria: Ambry Variant Classification Scheme 2023. Collection method: clinical testing. Allele origin: germline.
Comment: The p.E402D variant (also known as c.1206G>C), located in coding exon 1 of the MLH3 gene, results from a G to C substitution at nucleotide position 1206. The glutamic acid at codon 402 is replaced by aspartic acid, an amino acid with highly similar properties. This amino acid position is conserved. In addition, the in silico prediction for this alteration is inconclusive. Based on the available evidence, the clinical significance of this variant remains unclear.

NM_001040108.2(MLH3):c.1206G>C (p.Glu402Asp)

Gene: MLH3 (mutL homolog 3; minus strand). Cytogenetic location: 14q24.3.
Variant type: single nucleotide variant.
Coding change: c.1206G>C on transcript NM_001040108.2 (MANE Select); coding-DNA position 1206, G replaced by C.
Protein change: p.Glu402Asp; replaces glutamic acid 402 with aspartic acid.
Molecular consequence: missense variant.
Genome position (GRCh38, 1-based): chr14:75,048,450, C>G on the plus strand (G>C on the coding strand, the complement: MLH3 is on the minus strand). VCF-style: chr14-75048450-C-G. GRCh37 (hg19) VCF-style: chr14-75515153-C-G.
Other names: c.1206G>C, p.Glu402Asp (NM_014381.3); short protein forms E402D.
Identifiers: ClinVar variation 4108674 (VCV004108674.1).